The following is an entry in ClinVar:

ClinVar aggregate classification (germline): Likely pathogenic (1 of 4 stars; one submission).

Submission:

Labcorp Genetics (formerly Invitae), Labcorp
Classification: Likely pathogenic. Last evaluated: 2022-07-15. Review status: criteria provided, single submitter. Criteria: Invitae Variant Classification Sherloc (09022015). Collection method: clinical testing. Allele origin: germline.
Comment: In summary, the currently available evidence indicates that the variant is pathogenic, but additional data are needed to prove that conclusively. Therefore, this variant has been classified as Likely Pathogenic. This variant has not been reported in the literature in individuals affected with LRPPRC-related conditions. This variant results in the deletion of part of exon 28 and exon 29 (c.3000_3148+1984del) of the LRPPRC gene. It is expected to disrupt RNA splicing. Variants that disrupt the donor or acceptor splice site typically lead to a loss of protein function (PMID: 16199547), and loss-of-function variants in LRPPRC are known to be pathogenic (PMID: 26510951).

Literature cited by the submitters: PubMed 16199547; PubMed 26510951.

NC_000002.11:g.(?_44143180)_(44145434_?)del

Gene: LRPPRC (leucine rich pentatricopeptide repeat containing; minus strand). Cytogenetic location: 2p21.
Variant type: Deletion.
Identifiers: ClinVar variation 2427210 (VCV002427210.4).